The following is an entry in ClinVar:

NM_206933.4(USH2A):c.8232del (p.Thr2743_Trp2744insTer)

Gene: USH2A (usherin; minus strand). Cytogenetic location: 1q41.
Variant type: Deletion.
Coding change: c.8232del on transcript NM_206933.4 (MANE Select); coding-DNA position 8232, one base deleted (G; older notation c.8232delG).
Protein change: p.Thr2743_Trp2744insTer.
Molecular consequence: nonsense.
Genome position (GRCh38, 1-based): chr1:215,879,090, C deleted on the plus strand (G on the coding strand, the reverse complement: USH2A is on the minus strand); the first of 2 consecutive C bases (chr1:215,879,090-215,879,091); deleting either gives the same sequence. VCF-style (leftmost placement, unchanged base first): chr1-215879089-TC-T. GRCh37 (hg19) VCF-style: chr1-216052431-TC-T.
Identifiers: ClinVar variation 1068513 (VCV001068513.9), dbSNP rs1664846221, ClinGen allele CA1220461987.
Genomic context (GRCh38, chr1:215,879,089, plus strand): 5'-GAGGGTCAGGCATGTGAATCTCATAGCTAAGTATGTCTCCGTTCTGGATGAGTGGGGGTT[TC>T]CAAGTGACCTGAAATGAAAGATAAACTTAGAATCAGTGTGACGATACAGGAATAGAGCAA-3'

ClinVar aggregate classification (germline): Pathogenic. Review status: criteria provided, multiple submitters, no conflicts (2 of 4 stars). 2 submissions from 2 submitters: Pathogenic (2). Last evaluated 2024-03-26.

Conditions:
Retinitis pigmentosa 39 (RP39). Identifiers: Orphanet 791, MedGen C3151138, MONDO:0013436, OMIM 613809.

Submissions (2):

Labcorp Genetics (formerly Invitae), Labcorp
Classification: Pathogenic. Last evaluated: 2024-03-26. Review status: criteria provided, single submitter. Criteria: Invitae Variant Classification Sherloc (09022015). Collection method: clinical testing. Allele origin: germline.
Comment: This sequence change creates a premature translational stop signal (p.Trp2744*) in the USH2A gene. It is expected to result in an absent or disrupted protein product. Loss-of-function variants in USH2A are known to be pathogenic (PMID: 10729113, 10909849, 20507924, 25649381). This variant is not present in population databases (gnomAD no frequency). This variant has not been reported in the literature in individuals affected with USH2A-related conditions. ClinVar contains an entry for this variant (Variation ID: 1068513). For these reasons, this variant has been classified as Pathogenic.

Baylor Genetics
Classification: Pathogenic for Retinitis pigmentosa 39. Last evaluated: 2023-06-03. Review status: criteria provided, single submitter. Criteria: ACMG Guidelines, 2015. Collection method: clinical testing. Allele origin: unknown.

Literature cited by the submitters: PubMed 10729113 (cited by Labcorp Genetics (formerly Invitae), Labcorp); PubMed 10909849 (cited by Labcorp Genetics (formerly Invitae), Labcorp); PubMed 20507924 (cited by Labcorp Genetics (formerly Invitae), Labcorp); PubMed 25649381 (cited by Labcorp Genetics (formerly Invitae), Labcorp).